The following is an entry in ClinVar:

NM_182493.3(MYLK3):c.2237T>C (p.Phe746Ser)

Gene: MYLK3 (myosin light chain kinase 3; minus strand). Cytogenetic location: 16q11.2.
Variant type: single nucleotide variant.
Coding change: c.2237T>C on transcript NM_182493.3 (MANE Select); coding-DNA position 2237, T replaced by C.
Protein change: p.Phe746Ser; replaces phenylalanine 746 with serine.
Molecular consequence: missense variant.
Genome position (GRCh38, 1-based): chr16:46,710,667, A>G on the plus strand (T>C on the coding strand, the complement: MYLK3 is on the minus strand). VCF-style: chr16-46710667-A-G. GRCh37 (hg19) VCF-style: chr16-46744579-A-G.
Other names: c.1214T>C, p.Phe405Ser (NM_001308301.1); short protein forms F405S, F746S.
Identifiers: ClinVar variation 3658280 (VCV003658280.2).

ClinVar aggregate classification (germline): Uncertain significance (1 of 4 stars; one submission).

Submission:

Labcorp Genetics (formerly Invitae), Labcorp
Classification: Uncertain significance. Last evaluated: 2024-06-30. Review status: criteria provided, single submitter. Criteria: Invitae Variant Classification Sherloc (09022015). Collection method: clinical testing. Allele origin: germline.
Comment: This sequence change replaces phenylalanine, which is neutral and non-polar, with serine, which is neutral and polar, at codon 746 of the MYLK3 protein (p.Phe746Ser). This variant is not present in population databases (gnomAD no frequency). This variant has not been reported in the literature in individuals affected with MYLK3-related conditions. An algorithm developed to predict the effect of missense changes on protein structure and function (PolyPhen-2) suggests that this variant is likely to be disruptive. In summary, the available evidence is currently insufficient to determine the role of this variant in disease. Therefore, it has been classified as a Variant of Uncertain Significance.